The following is an entry in ClinVar:

NM_000465.4(BARD1):c.968G>A (p.Gly323Asp)

Gene: BARD1 (BRCA1 associated RING domain 1; minus strand). Cytogenetic location: 2q35.
Variant type: single nucleotide variant.
Coding change: c.968G>A on transcript NM_000465.4 (MANE Select); coding-DNA position 968, G replaced by A.
Protein change: p.Gly323Asp; replaces glycine 323 with aspartic acid.
Molecular consequence: missense variant. On other transcripts: non-coding transcript variant (2), intron variant (3).
Genome position (GRCh38, 1-based): chr2:214,780,906, C>T on the plus strand (G>A on the coding strand, the complement: BARD1 is on the minus strand). VCF-style: chr2-214780906-C-T. GRCh37 (hg19) VCF-style: chr2-215645630-C-T.
Other names: c.968G>A (NM_000465.2); c.911G>A, p.Gly304Asp (NM_001282543.2); c.159-28351G>A (NM_001282548.2); c.215+16155G>A (NM_001282545.2); c.364+11391G>A (NM_001282549.2); short protein forms G304D, G323D.
Identifiers: ClinVar variation 1498881 (VCV001498881.10), dbSNP rs2106109498, ClinGen allele CA350454655.

ClinVar aggregate classification (germline): Uncertain significance. Review status: criteria provided, multiple submitters, no conflicts (2 of 4 stars). 2 submissions from 2 submitters: Uncertain significance (2). Last evaluated 2025-04-09.

Conditions:
Hereditary cancer-predisposing syndrome. Also called: Tumor predisposition; Hereditary neoplastic syndrome; Neoplastic Syndromes, Hereditary; Hereditary Cancer Syndrome. Identifiers: Orphanet 140162, MedGen C0027672, MeSH D009386, MONDO:0015356.
Familial cancer of breast. Also called: hereditary breast carcinoma; Hereditary breast cancer; BREAST CANCER, FAMILIAL. Identifiers: Orphanet 227535, MedGen C0346153, MONDO:0016419, OMIM 114480. Disease mechanism: loss of function.

Submissions (2):

Ambry Genetics
Classification: Uncertain significance for Hereditary cancer-predisposing syndrome. Last evaluated: 2025-04-09. Review status: criteria provided, single submitter. Criteria: Ambry Variant Classification Scheme 2023. Collection method: clinical testing. Allele origin: germline.
Comment: The p.G323D variant (also known as c.968G>A), located in coding exon 4 of the BARD1 gene, results from a G to A substitution at nucleotide position 968. The glycine at codon 323 is replaced by aspartic acid, an amino acid with similar properties. This amino acid position is conserved. In addition, this alteration is predicted to be tolerated by in silico analysis. Based on the available evidence, the clinical significance of this variant remains unclear.

Labcorp Genetics (formerly Invitae), Labcorp
Classification: Uncertain significance for Familial cancer of breast. Last evaluated: 2024-04-22. Review status: criteria provided, single submitter. Criteria: Invitae Variant Classification Sherloc (09022015). Collection method: clinical testing. Allele origin: germline.
Comment: This sequence change replaces glycine, which is neutral and non-polar, with aspartic acid, which is acidic and polar, at codon 323 of the BARD1 protein (p.Gly323Asp). This variant is not present in population databases (gnomAD no frequency). This variant has not been reported in the literature in individuals affected with BARD1-related conditions. ClinVar contains an entry for this variant (Variation ID: 1498881). An algorithm developed to predict the effect of missense changes on protein structure and function (PolyPhen-2) suggests that this variant is likely to be tolerated. In summary, the available evidence is currently insufficient to determine the role of this variant in disease. Therefore, it has been classified as a Variant of Uncertain Significance.